The following is an entry in ClinVar:

NM_016938.5(EFEMP2):c.496G>A (p.Asp166Asn)

Gene: EFEMP2 (EGF-like fibulin extracellular matrix protein 2; minus strand). Cytogenetic location: 11q13.1.
Variant type: single nucleotide variant.
Coding change: c.496G>A on transcript NM_016938.5 (MANE Select); coding-DNA position 496, G replaced by A.
Protein change: p.Asp166Asn; replaces aspartic acid 166 with asparagine.
Molecular consequence: missense variant. On other transcripts: non-coding transcript variant (1).
Genome position (GRCh38, 1-based): chr11:65,870,232, C>T on the plus strand (G>A on the coding strand, the complement: EFEMP2 is on the minus strand). VCF-style: chr11-65870232-C-T. GRCh37 (hg19) VCF-style: chr11-65637703-C-T.
Other names: short protein forms D166N.
Identifiers: ClinVar variation 472827 (VCV000472827.7), dbSNP rs145037272, ClinGen allele CA6110633.

ClinVar aggregate classification (germline): Uncertain significance. Review status: criteria provided, multiple submitters, no conflicts (2 of 4 stars). 2 submissions from 2 submitters: Uncertain significance (2). Last evaluated 2025-12-15.

Conditions:
Cardiovascular phenotype. Identifiers: MedGen CN230736.
Cutis laxa, autosomal recessive, type 1B (ARCL1B). Also called: CUTIS LAXA, AUTOSOMAL RECESSIVE, TYPE IB; EFEMP2-Related Cutis Laxa. Identifiers: Orphanet 90349, MedGen C3280798, MONDO:0013754, OMIM 614437. Disease mechanism: loss of function.

Allele frequency attached by ClinVar (database versions not stated): gnomAD exomes 0.00001 and 0.00002; TOPMed below 0.00001; ExAC 0.00001; gnomAD 0.00001; ESP Exome Variant Server 0.00015.
gnomAD v4.1: 28 of 1,613,118 alleles (0.0017%); highest among the groups gnomAD compares: Non-Finnish European, 0.0022%; no homozygotes.

Submissions (2):

Ambry Genetics
Classification: Uncertain significance for Cardiovascular phenotype. Last evaluated: 2025-12-15. Review status: criteria provided, single submitter. Criteria: Ambry Variant Classification Scheme 2023. Collection method: clinical testing. Allele origin: germline.

Labcorp Genetics (formerly Invitae), Labcorp
Classification: Uncertain significance for Cutis laxa, autosomal recessive, type 1B. Last evaluated: 2022-10-08. Review status: criteria provided, single submitter. Criteria: Invitae Variant Classification Sherloc (09022015). Collection method: clinical testing. Allele origin: germline.
Comment: This sequence change replaces aspartic acid, which is acidic and polar, with asparagine, which is neutral and polar, at codon 166 of the EFEMP2 protein (p.Asp166Asn). This variant is present in population databases (rs145037272, gnomAD 0.003%). This variant has not been reported in the literature in individuals affected with EFEMP2-related conditions. ClinVar contains an entry for this variant (Variation ID: 472827). Advanced modeling of protein sequence and biophysical properties (such as structural, functional, and spatial information, amino acid conservation, physicochemical variation, residue mobility, and thermodynamic stability) performed at Invitae indicates that this missense variant is not expected to disrupt EFEMP2 protein function. Algorithms developed to predict the effect of sequence changes on RNA splicing suggest that this variant may disrupt the consensus splice site. In summary, the available evidence is currently insufficient to determine the role of this variant in disease. Therefore, it has been classified as a Variant of Uncertain Significance.